The following is an entry in ClinVar:

ClinVar aggregate classification (germline): Uncertain significance (1 of 4 stars; one submission).

Conditions:
COL1A2-related disorder. Also called: COL1A2-related condition; COL1A2-Related Disorders.

Submission:

3billion
Classification: Uncertain significance for COL1A2-related disorder. Last evaluated: 2024-11-20. Review status: criteria provided, single submitter. Criteria: ACMG Guidelines, 2015. Collection method: clinical testing. Allele origin: germline. Affected: yes.
Comment: The variant is observed at an extremely low frequency in the gnomAD v4.1.0 dataset (total allele frequency: <0.001%). Predicted Consequence/Location: Intron variant In silico tools predict the variant to alter splicing and produce an abnormal transcript [SpliceAI: 0.42 (>=0.2, moderate evidence for spliceogenicity)]. Therefore, this variant is classified as VUS according to the recommendation of ACMG/AMP guideline.

NM_000089.4(COL1A2):c.2349+44_2349+58del

Gene: COL1A2 (collagen type I alpha 2 chain; plus strand). Cytogenetic location: 7q21.3.
Variant type: Deletion.
Coding change: c.2349+44_2349+58del on transcript NM_000089.4 (MANE Select); bases 44 to 58 of the intron after coding-DNA position 2349, 15 bases deleted (ATCTATTAAGGACAC).
Molecular consequence: intron variant.
Genome position (GRCh38, 1-based): chr7:94,421,106-94,421,120, ATCTATTAAGGACAC deleted. VCF-style (leftmost placement, unchanged base first): chr7-94421105-AATCTATTAAGGACAC-A. GRCh37 (hg19) VCF-style: chr7-94050417-AATCTATTAAGGACAC-A.
Identifiers: ClinVar variation 4293273 (VCV004293273.1).
Genomic context (GRCh38, chr7:94,421,105, plus strand): 5'-GGTGATGGAGGCCCCCCTGTGAGTATTTACAATGGACTCTCGCCGCTTTTCTTTTTTCAG[AATCTATTAAGGACAC>A]TTGAAAGTTTTGAAATTTTTGGTAAATTTGGACTACCATGAGGAAACTTTTGAGATTCAA-3'